The following is an entry in ClinVar:

NM_001287491.2(TET3):c.4742C>T (p.Ser1581Phe)

Gene: TET3 (tet methylcytosine dioxygenase 3; plus strand). Cytogenetic location: 2p13.1.
Variant type: single nucleotide variant.
Coding change: c.4742C>T on transcript NM_001287491.2 (MANE Select); coding-DNA position 4742, C replaced by T.
Protein change: p.Ser1581Phe; replaces serine 1581 with phenylalanine.
Molecular consequence: missense variant.
Genome position (GRCh38, 1-based): chr2:74,101,530, C>T. VCF-style: chr2-74101530-C-T. GRCh37 (hg19) VCF-style: chr2-74328657-C-T.
Other names: c.4463C>T, p.Ser1488Phe (NM_001366022.1); c.4337C>T, p.Ser1446Phe (NM_144993.1); short protein forms S1446F, S1488F, S1581F.
Identifiers: ClinVar variation 1801907 (VCV001801907.1), dbSNP rs1318120342, ClinGen allele CA347321810.
Genomic context (GRCh38, chr2:74,101,530, plus strand): 5'-AAGGAGAGGAGGGCAGGATTCCAGCCGCAGGGGCCAGCCAGCTGGACAGGGCCTGGCAGT[C>T]CTTTGGTCTGCCCCTGGGATCCAGCGAGAAGCTGTTTGGGGCTCTGAAGTCAGAGGAGAA-3'
Protein context (NP_001274420.1, residues 1571-1591): GASQLDRAWQ[Ser1581Phe]FGLPLGSSEK

ClinVar aggregate classification (germline): Uncertain significance (1 of 4 stars; one submission).

Submission:

GeneDx
Classification: Uncertain significance. Last evaluated: 2022-05-31. Review status: criteria provided, single submitter. Criteria: GeneDx Variant Classification Process June 2021. Collection method: clinical testing. Allele origin: germline. Affected: yes.
Comment: Not observed at significant frequency in large population cohorts (gnomAD); In silico analysis supports that this missense variant does not alter protein structure/function; Has not been previously published as pathogenic or benign to our knowledge.